The following is an entry in ClinVar:

NM_001329943.3(KIAA0586):c.2912G>A (p.Ser971Asn)

Gene: KIAA0586 (KIAA0586; plus strand). Cytogenetic location: 14q23.1.
Variant type: single nucleotide variant.
Coding change: c.2912G>A on transcript NM_001329943.3 (MANE Select); coding-DNA position 2912, G replaced by A.
Protein change: p.Ser971Asn; replaces serine 971 with asparagine.
Molecular consequence: missense variant.
Genome position (GRCh38, 1-based): chr14:58,477,209, G>A. VCF-style: chr14-58477209-G-A. GRCh37 (hg19) VCF-style: chr14-58943927-G-A.
Other names: c.3071G>A, p.Ser1024Asn (NM_001244189.2); c.2867G>A, p.Ser956Asn (NM_001244190.2); c.2657G>A, p.Ser886Asn (NM_001244191.2, NM_001329945.2, NM_001364700.1 and 1 more transcripts); c.2780G>A, p.Ser927Asn (NM_001244192.2); c.2492G>A, p.Ser831Asn (NM_001244193.2); c.2912G>A, p.Ser971Asn (NM_001329944.2, NM_001329946.2, NM_001329947.2); c.2684G>A, p.Ser895Asn (NM_014749.5); short protein forms S1024N, S956N, S831N, S895N, S927N, S886N, S971N.
Identifiers: ClinVar variation 800158 (VCV000800158.10), dbSNP rs3783696, ClinGen allele CA7206003.
Genomic context (GRCh38, chr14:58,477,209, plus strand): 5'-TTATCTCTGGGCTCTTTCCAGTCCAGCAACAGATTGCACCTAGTATCAGTGTTTCAGTCA[G>A]TGAGACAAGTGAACCACTGACTTCTGACATTGGTAAGTGAAATAGAATTTTTTTTTGTTT-3'
Protein context (NP_001316872.1, residues 961-981): QIAPSISVSV[Ser971Asn]ETSEPLTSDI

ClinVar aggregate classification (germline): Likely benign. Review status: criteria provided, multiple submitters, no conflicts (2 of 4 stars). 3 submissions from 3 submitters: Likely benign (2). 1 of the submissions does not count toward it. Last evaluated 2025-05-03.

Conditions:
Joubert syndrome 23 (JBTS23). Identifiers: Orphanet 475, MedGen C4084822, MONDO:0014664, OMIM 616490.
Short-rib thoracic dysplasia 14 with polydactyly (SRTD14). Identifiers: Orphanet 397715, MedGen C4225286, MONDO:0014688, OMIM 616546.
KIAA0586-related disorder. Also called: KIAA0586- Related disorders; KIAA0586-related condition.

Allele frequency attached by ClinVar (database versions not stated): gnomAD 0.00001 and 0.00005; TOPMed 0.00004; 1000 Genomes Project 30x 0.00047; 1000 Genomes Project 0.00060.
gnomAD v4.1: 65 of 1,570,124 alleles (0.0041%); highest among the groups gnomAD compares: East Asian, 0.14%; no homozygotes.

Submissions (3):

Labcorp Genetics (formerly Invitae), Labcorp
Classification: Likely benign for Joubert syndrome 23; Short-rib thoracic dysplasia 14 with polydactyly. Last evaluated: 2025-05-03. Review status: criteria provided, single submitter. Criteria: Invitae Variant Classification Sherloc (09022015). Collection method: clinical testing. Allele origin: germline.

Blueprint Genetics
Classification: Likely benign. Last evaluated: 2024-05-23. Review status: criteria provided, single submitter. Criteria: ACMG Guidelines, 2015. Collection method: clinical testing. Allele origin: germline.

PreventionGenetics, part of Exact Sciences
Classification: Likely benign for KIAA0586-related condition. Last evaluated: 2024-07-01. Review status: no assertion criteria provided. Collection method: clinical testing. Allele origin: germline. Not counted in ClinVar's aggregate classification.
Comment: This variant is classified as likely benign based on ACMG/AMP sequence variant interpretation guidelines (Richards et al. 2015 PMID: 25741868, with internal and published modifications).